The following is an entry in ClinVar:

NM_007294.4(BRCA1):c.5038_5041dup (p.Thr1681fs)

Gene: BRCA1 (BRCA1 DNA repair associated; minus strand). Cytogenetic location: 17q21.31.
Variant type: Duplication.
Coding change: c.5038_5041dup on transcript NM_007294.4 (MANE Select); coding-DNA positions 5038 to 5041, 4 bases duplicated (ATTA; older notation c.5038_5041dupATTA).
Protein change: p.Thr1681fs; shifts the reading frame from threonine 1681.
Molecular consequence: frameshift variant. On other transcripts: non-coding transcript variant (1).
Genome position (GRCh38, 1-based): chr17:43,067,641-43,067,644, TAAT duplicated on the plus strand (ATTA on the coding strand, the reverse complement: BRCA1 is on the minus strand); duplicating any 4 consecutive bases within chr17:43,067,641-43,067,646 gives the same sequence; the c. name uses the placement nearest the transcript's 3' end. VCF-style (leftmost placement, unchanged base first): chr17-43067640-G-GTAAT. GRCh37 (hg19) VCF-style: chr17-41219657-G-GTAAT.
Other names: 5160insATTA; c.5038_5041dup, p.Thr1681fs (NM_007294.3); c.5030_5033dup, p.Thr1679Asnfs (NM_001407638.1, NM_001407639.1, NM_001407640.1 and 14 more transcripts); c.5027_5030dup, p.Thr1678Asnfs (NM_001407644.1, NM_001407645.1); c.5024_5027dup, p.Thr1677Asnfs (NM_001407646.1); c.5021_5024dup, p.Thr1676Asnfs (NM_001407647.1); c.4979_4982dup, p.Thr1662Asnfs (NM_001407648.1); c.4976_4979dup, p.Thr1661Asnfs (NM_001407649.1); and 75 more; short protein forms T1702fs, T1681fs, T1634fs, T577fs.
Identifiers: ClinVar variation 266516 (VCV000266516.6), dbSNP rs1555579686, ClinGen allele CA10589627.
Genomic context (GRCh38, chr17:43,067,640, plus strand): 5'-AGGTATTCTGTAAAGGTTCTTGGTATACCTGTTTTCATAACAACATGAGTAGTCTCTTCA[G>GTAAT]TAATTAGATTAGTTAAAGTGATGTGGTGTTTTCTGGCAAACTTGTACACGAGCATCTGAA-3'

ClinVar aggregate classification (germline): Pathogenic. Review status: reviewed by expert panel (3 of 4 stars). 2 submissions from 2 submitters: Pathogenic (1). 1 of the submissions does not count toward it. Last evaluated 2016-10-18.

Conditions:
Breast-ovarian cancer, familial, susceptibility to, 1 (BROVCA1). Also called: BRCA1 Hereditary Breast and Ovarian Cancer; OVARIAN CANCER, SUSCEPTIBILITY TO. Identifiers: Orphanet 145, MedGen C2676676, MONDO:0011450, OMIM 604370. Disease mechanism: loss of function.

Submissions (2):

Evidence-based Network for the Interpretation of Germline Mutant Alleles (ENIGMA)
Classification: Pathogenic for Breast-ovarian cancer, familial, susceptibility to, 1. Last evaluated: 2016-10-18. Review status: reviewed by expert panel. Criteria: ENIGMA BRCA1/2 Classification Criteria (2015). Collection method: curation. Allele origin: germline.
Comment: Variant allele predicted to encode a truncated non-functional protein.

Consortium of Investigators of Modifiers of BRCA1/2 (CIMBA), c/o University of Cambridge
Classification: Pathogenic for Breast-ovarian cancer, familial, susceptibility to, 1. Last evaluated: 2015-10-02. Review status: criteria provided, single submitter. Criteria: CIMBA Mutation Classification guidelines May 2016. Collection method: clinical testing. Allele origin: germline. Not counted in ClinVar's aggregate classification.